The following is an entry in ClinVar:

NM_000493.4(COL10A1):c.1261C>T (p.Pro421Ser)

Genes: COL10A1 (collagen type X alpha 1 chain; minus strand), NT5DC1 (5'-nucleotidase domain containing 1; plus strand). Cytogenetic location: 6q22.1.
Variant type: single nucleotide variant.
Coding change: c.1261C>T on transcript NM_000493.4 (MANE Select); coding-DNA position 1261, C replaced by T.
Protein change: p.Pro421Ser; replaces proline 421 with serine.
Molecular consequence: missense variant. On other transcripts: intron variant (1).
Genome position (GRCh38, 1-based): chr6:116,120,855, G>A on the plus strand (C>T on the coding strand, the complement: COL10A1 is on the minus strand). VCF-style: chr6-116120855-G-A. GRCh37 (hg19) VCF-style: chr6-116442018-G-A.
Other names: c.1261C>T, p.Pro421Ser (NM_001424106.1, NM_001424107.1); c.529+2910G>A (NM_152729.3); short protein forms P421S.
Identifiers: ClinVar variation 2072596 (VCV002072596.11), dbSNP rs146980198, ClinGen allele CA3968218.

ClinVar aggregate classification (germline): Conflicting classifications of pathogenicity. Review status: criteria provided, conflicting classifications (1 of 4 stars). 6 submissions from 6 submitters: Uncertain significance (3); Likely benign (2). 1 of the submissions does not count toward it. Last evaluated 2026-01-06.

Conditions:
Nager syndrome (AFD1). Also called: Nager acrofacial dysostosis syndrome; MANDIBULOFACIAL DYSOSTOSIS, TREACHER COLLINS TYPE, WITH LIMB ANOMALIES; Nager acrofacial dysostosis; Acrofacial Dysostosis 1, Nager Type. Identifiers: Orphanet 245, MedGen C0265245, MONDO:0007943, OMIM 154400.
Inborn genetic diseases. Identifiers: MedGen C0950123, MeSH D030342.
COL10A1-related disorder. Also called: COL10A1-related condition.

Allele frequency attached by ClinVar (database versions not stated): TOPMed 0.00008; ESP Exome Variant Server 0.00015; gnomAD 0.00017; gnomAD exomes 0.00023; 1000 Genomes Project 0.00040; ExAC 0.00045; 1000 Genomes Project 30x 0.00078.
gnomAD v4.1: 368 of 1,613,980 alleles (0.023%); highest among the groups gnomAD compares: South Asian, 0.28%; 2 homozygotes.

Submissions (6):

Labcorp Genetics (formerly Invitae), Labcorp
Classification: Likely benign. Last evaluated: 2026-01-06. Review status: criteria provided, single submitter. Criteria: Invitae Variant Classification Sherloc (09022015). Collection method: clinical testing. Allele origin: germline.

Blueprint Genetics
Classification: Likely benign. Last evaluated: 2024-07-29. Review status: criteria provided, single submitter. Criteria: ACMG Guidelines, 2015. Collection method: clinical testing. Allele origin: germline.

Neuberg Centre For Genomic Medicine, NCGM
Classification: Uncertain significance for Nager syndrome. Last evaluated: 2024-02-01. Review status: criteria provided, single submitter. Criteria: ACMG Guidelines, 2015. Collection method: clinical testing. Allele origin: germline. Inheritance: Autosomal dominant inheritance.
Comment: The missense c.1261C>T (p.Pro421Ser) variant in COL10A1 gene has not been reported previously as a pathogenic variant nor as a benign variant, to our knowledge.

GeneDx
Classification: Uncertain significance. Last evaluated: 2023-11-30. Review status: criteria provided, single submitter. Criteria: GeneDx Variant Classification Process June 2021. Collection method: clinical testing. Allele origin: germline. Affected: yes.
Comment: In silico analysis supports that this missense variant does not alter protein structure/function; Has not been previously published as pathogenic or benign to our knowledge

Ambry Genetics
Classification: Uncertain significance for Inborn genetic diseases. Last evaluated: 2023-04-05. Review status: criteria provided, single submitter. Criteria: Ambry Variant Classification Scheme 2023. Collection method: clinical testing. Allele origin: germline.

PreventionGenetics, part of Exact Sciences
Classification: Likely benign for COL10A1-related condition. Last evaluated: 2020-07-25. Review status: no assertion criteria provided. Collection method: clinical testing. Allele origin: germline. Not counted in ClinVar's aggregate classification.
Comment: This variant is classified as likely benign based on ACMG/AMP sequence variant interpretation guidelines (Richards et al. 2015 PMID: 25741868, with internal and published modifications).